The following is an entry in ClinVar:

NM_004006.3(DMD):c.7197dup (p.Lys2400fs)

Gene: DMD (dystrophin; minus strand). Cytogenetic location: Xp21.1.
Variant type: Duplication.
Coding change: c.7197dup on transcript NM_004006.3 (MANE Select); coding-DNA position 7197, one base duplicated (G; older notation c.7197dupG).
Protein change: p.Lys2400fs; shifts the reading frame from lysine 2400.
Molecular consequence: frameshift variant. On other transcripts: 5 prime UTR variant (5).
Genome position (GRCh38, 1-based): chrX:31,836,721, C duplicated on the plus strand (G on the coding strand, the reverse complement: DMD is on the minus strand). VCF-style (leftmost placement, unchanged base first): chrX-31836720-T-TC. GRCh37 (hg19) VCF-style: chrX-31854837-T-TC.
Other names: c.7173dup, p.Lys2392fs (NM_000109.4); c.7185dup, p.Lys2396fs (NM_004009.3); c.6828dup, p.Lys2277fs (NM_004010.3); c.3174dup, p.Lys1059fs (NM_004011.4); c.3165dup, p.Lys1056fs (NM_004012.4); c.-184dup (NM_004013.3, NM_004020.4, NM_004021.3 and 2 more transcripts); short protein forms K1056fs, K1059fs, K2277fs, K2392fs, K2396fs, K2400fs.
Identifiers: ClinVar variation 1333194 (VCV001333194.1), dbSNP rs2149493164, ClinGen allele CA2573055269.

ClinVar aggregate classification (germline): Likely pathogenic (1 of 4 stars; one submission).

Conditions:
Duchenne muscular dystrophy (DMD). Also called: MUSCULAR DYSTROPHY, PSEUDOHYPERTROPHIC PROGRESSIVE, DUCHENNE TYPE; Duchenne Muscular Dystrophy (DMD). Identifiers: Orphanet 98896, MedGen C0013264, MONDO:0010679, OMIM 310200.

Submission:

3billion
Classification: Likely pathogenic for Duchenne muscular dystrophy. Last evaluated: 2022-01-03. Review status: criteria provided, single submitter. Criteria: ACMG Guidelines, 2015. Collection method: clinical testing. Allele origin: germline. Affected: yes. Observed: 1 hemizygote.
Comment: Frameshift: predicted to result in a loss or disruption of normal protein function through nonsense-mediated decay (NMD) or protein truncation. Multiple pathogenic variants are reported downstream of the variant (PVS1_VS). It is not observed in the gnomAD v2.1.1 dataset (PM2_M). Therefore, this variant is classified as likely pathogenic according to the recommendation of ACMG/AMP guideline.